The following is an entry in ClinVar:

ClinVar aggregate classification (germline): Uncertain significance (1 of 4 stars; one submission).

Allele frequency attached by ClinVar (database versions not stated): gnomAD exomes below 0.00001; TOPMed below 0.00001.

Submission:

Labcorp Genetics (formerly Invitae), Labcorp
Classification: Uncertain significance. Last evaluated: 2022-07-09. Review status: criteria provided, single submitter. Criteria: Invitae Variant Classification Sherloc (09022015). Collection method: clinical testing. Allele origin: germline.
Comment: This sequence change replaces proline, which is neutral and non-polar, with leucine, which is neutral and non-polar, at codon 265 of the KCNJ1 protein (p.Pro265Leu). This variant is present in population databases (no rsID available, gnomAD 0.007%). This variant has not been reported in the literature in individuals affected with KCNJ1-related conditions. Algorithms developed to predict the effect of missense changes on protein structure and function (SIFT, PolyPhen-2, Align-GVGD) all suggest that this variant is likely to be disruptive. In summary, the available evidence is currently insufficient to determine the role of this variant in disease. Therefore, it has been classified as a Variant of Uncertain Significance.

NM_153766.3(KCNJ1):c.737C>T (p.Pro246Leu)

Gene: KCNJ1 (potassium inwardly rectifying channel subfamily J member 1; minus strand). Cytogenetic location: 11q24.3.
Variant type: single nucleotide variant.
Coding change: c.737C>T on transcript NM_153766.3 (MANE Select); coding-DNA position 737, C replaced by T.
Protein change: p.Pro246Leu; replaces proline 246 with leucine.
Molecular consequence: missense variant.
Genome position (GRCh38, 1-based): chr11:128,839,507, G>A on the plus strand (C>T on the coding strand, the complement: KCNJ1 is on the minus strand). VCF-style: chr11-128839507-G-A. GRCh37 (hg19) VCF-style: chr11-128709402-G-A.
Other names: c.794C>T, p.Pro265Leu (NM_000220.6); c.737C>T, p.Pro246Leu (NM_153764.3, NM_153767.4); c.788C>T, p.Pro263Leu (NM_153765.3); short protein forms P246L, P263L, P265L.
Identifiers: ClinVar variation 1953635 (VCV001953635.2), dbSNP rs1461309866, ClinGen allele CA383244070.
Genomic context (GRCh38, chr11:128,839,507, plus strand): 5'-GTCTCCGCTGCCATGTGGAAGAAAGGGCTGTTGTGATCAATGACATGGTAAATTGTCAAT[G>A]GGGAGATGAAGAATAAATTTTCATTCCCAGCGTCAACTACAAAGTTGATATTGATCTGGT-3'
Protein context (NP_722450.1, residues 236-256): AGNENLFFIS[Pro246Leu]LTIYHVIDHN